The following is an entry in ClinVar:

ClinVar aggregate classification (germline): Likely pathogenic (1 of 4 stars; one submission).

Conditions:
Hereditary cancer-predisposing syndrome. Also called: Neoplastic Syndromes, Hereditary; Tumor predisposition; Hereditary Cancer Syndrome; Hereditary neoplastic syndrome. Identifiers: Orphanet 140162, MedGen C0027672, MeSH D009386, MONDO:0015356.

Submission:

Ambry Genetics
Classification: Likely pathogenic for Hereditary cancer-predisposing syndrome. Last evaluated: 2016-09-14. Review status: criteria provided, single submitter. Criteria: Ambry Variant Classification Scheme 2023. Collection method: clinical testing. Allele origin: germline.
Comment: The c.366-2A>G intronic variant results from an A to G substitution two nucleotides upstream from coding exon 4 in the RAD50 gene. This variant was not reported in population based cohorts in the following databases: Database of Single Nucleotide Polymorphisms (dbSNP), NHLBI Exome Sequencing Project (ESP), and 1000 Genomes Project. In the ESP, this variant was not observed in 6503 samples (13006 alleles) with coverage at this position. To date, this alteration has been detected with an allele frequency of approximately 0.001% (greater than 175000 alleles tested) in our clinical cohort. This nucleotide position is highly conserved in available vertebrate species. Using the BDGP and ESEfinder splice site prediction tools, this alteration is predicted to abolish the native splice acceptor site; however, direct evidence is unavailable. Alterations that disrupt the canonical splice site are expected to cause aberrant splicing, resulting in an abnormal protein or a transcript that is subject to nonsense-mediated mRNA decay. As such, this alteration is classified as likely pathogenic.

NM_005732.4(RAD50):c.366-2A>G

Gene: RAD50 (RAD50 double strand break repair protein; plus strand). Cytogenetic location: 5q31.1.
Variant type: single nucleotide variant.
Coding change: c.366-2A>G on transcript NM_005732.4 (MANE Select); the canonical splice acceptor site of the intron before coding-DNA position 366, A replaced by G.
Molecular consequence: splice acceptor variant.
Genome position (GRCh38, 1-based): chr5:132,579,315, A>G. VCF-style: chr5-132579315-A-G. GRCh37 (hg19) VCF-style: chr5-131915007-A-G.
Identifiers: ClinVar variation 482121 (VCV000482121.5), dbSNP rs1554097755, ClinGen allele CA360933182.